The following is an entry in ClinVar:

ClinVar aggregate classification (germline): Conflicting classifications of pathogenicity. Review status: criteria provided, conflicting classifications (1 of 4 stars). 2 submissions from 2 submitters: Uncertain significance (1); Likely benign (1). Last evaluated 2025-12-06.

Conditions:
Frontotemporal dementia and/or amyotrophic lateral sclerosis 1 (FTDALS1). Also called: C9orf72 Frontotemporal Dementia and/or Amyotrophic Lateral Sclerosis; Frontotemporal dementia with motor neuron disease 1. Identifiers: Orphanet 275872, MedGen C5779877, MONDO:0007105, OMIM 105550.
Paget disease of bone 2, early-onset (PDB2). Also called: Paget disease of bone 2. Identifiers: MedGen C4085251, MONDO:0011183, OMIM 602080.

Allele frequency attached by ClinVar (database versions not stated): gnomAD exomes 0.00001 and 0.00008; ExAC 0.00003; TOPMed 0.00003; gnomAD 0.00004 and 0.00006; 1000 Genomes Project 0.00040; 1000 Genomes Project 30x 0.00047.
gnomAD v4.1: 35 of 1,613,968 alleles (0.0022%); highest among the groups gnomAD compares: East Asian, 0.058%; no homozygotes.

Submissions (2):

Labcorp Genetics (formerly Invitae), Labcorp
Classification: Likely benign for Paget disease of bone 2, early-onset; Frontotemporal dementia and/or amyotrophic lateral sclerosis 1. Last evaluated: 2025-12-06. Review status: criteria provided, single submitter. Criteria: Invitae Variant Classification Sherloc (09022015). Collection method: clinical testing. Allele origin: germline.

GeneDx
Classification: Uncertain significance. Last evaluated: 2024-07-31. Review status: criteria provided, single submitter. Criteria: GeneDx Variant Classification Process June 2021. Collection method: clinical testing. Allele origin: germline. Affected: yes.
Comment: In silico analysis indicates that this missense variant does not alter protein structure/function; Has not been previously published as pathogenic or benign to our knowledge

NM_003900.5(SQSTM1):c.674C>T (p.Ala225Val)

Gene: SQSTM1 (sequestosome 1; plus strand). Cytogenetic location: 5q35.3.
Variant type: single nucleotide variant.
Coding change: c.674C>T on transcript NM_003900.5 (MANE Select); coding-DNA position 674, C replaced by T.
Protein change: p.Ala225Val; replaces alanine 225 with valine.
Molecular consequence: missense variant.
Genome position (GRCh38, 1-based): chr5:179,825,146, C>T. VCF-style: chr5-179825146-C-T. GRCh37 (hg19) VCF-style: chr5-179252146-C-T.
Other names: c.422C>T, p.Ala141Val (NM_001142298.2, NM_001142299.2); c.674C>T (NM_003900.4); short protein forms A141V, A225V.
Identifiers: ClinVar variation 1578592 (VCV001578592.9), dbSNP rs202235745, ClinGen allele CA3600612.
Genomic context (GRCh38, chr5:179,825,146, plus strand): 5'-ACTGTGACAGGTATCCAAGGCATTAAAGATATCTTTATCTTATCTTTGTAAAAATCAAAG[C>T]TTCTGGTCCATCGGAGGATCCGAGTGTGAATTTCCTGAAGAACGTTGGGGAGAGTGTGGC-3'
Protein context (NP_003891.1, residues 215-235): EARPGPTAES[Ala225Val]SGPSEDPSVN